The following is an entry in ClinVar:

NM_152564.5(VPS13B):c.1580T>C (p.Ile527Thr)

Gene: VPS13B (vacuolar protein sorting 13 homolog B; plus strand). Cytogenetic location: 8q22.2.
Variant type: single nucleotide variant.
Coding change: c.1580T>C on transcript NM_152564.5 (MANE Select); coding-DNA position 1580, T replaced by C.
Protein change: p.Ile527Thr; replaces isoleucine 527 with threonine.
Molecular consequence: missense variant.
Genome position (GRCh38, 1-based): chr8:99,136,681, T>C. VCF-style: chr8-99136681-T-C. GRCh37 (hg19) VCF-style: chr8-100148909-T-C.
Other names: c.1580T>C (NM_152564.4); c.1580T>C, p.Ile527Thr (NM_015243.3, NM_017890.5); short protein forms I527T.
Identifiers: ClinVar variation 842684 (VCV000842684.11), dbSNP rs1810086193, ClinGen allele CA371863450.

ClinVar aggregate classification (germline): Uncertain significance. Review status: criteria provided, multiple submitters, no conflicts (2 of 4 stars). 4 submissions from 4 submitters: Uncertain significance (3). 1 of the submissions does not count toward it. Last evaluated 2025-04-25.

Conditions:
Cohen syndrome (COH1). Also called: PEPPER SYNDROME; Cutis verticis gyrata, retinitis pigmentosa, and sensorineural deafness. Identifiers: Orphanet 193, MedGen C0265223, MONDO:0008999, OMIM 216550.
VPS13B-related disorder. Also called: VPS13B-related condition.

Submissions (4):

PreventionGenetics, part of Exact Sciences
Classification: Uncertain significance for VPS13B-related condition. Last evaluated: 2025-04-25. Review status: criteria provided, single submitter. Criteria: ACMG Guidelines, 2015. Collection method: clinical testing. Allele origin: germline.
Comment: The VPS13B c.1580T>C variant is predicted to result in the amino acid substitution p.Ile527Thr. To our knowledge, this variant has not been reported in the literature or in a large population database (gnomAD), indicating this variant is rare. At this time, the clinical significance of this variant is uncertain due to the absence of conclusive functional and genetic evidence.

Labcorp Genetics (formerly Invitae), Labcorp
Classification: Uncertain significance for Cohen syndrome. Last evaluated: 2022-04-12. Review status: criteria provided, single submitter. Criteria: Invitae Variant Classification Sherloc (09022015). Collection method: clinical testing. Allele origin: germline.
Comment: This sequence change replaces isoleucine, which is neutral and non-polar, with threonine, which is neutral and polar, at codon 527 of the VPS13B protein (p.Ile527Thr). This variant is not present in population databases (gnomAD no frequency). This variant has not been reported in the literature in individuals affected with VPS13B-related conditions. ClinVar contains an entry for this variant (Variation ID: 842684). Algorithms developed to predict the effect of missense changes on protein structure and function are either unavailable or do not agree on the potential impact of this missense change (SIFT: "Not Available"; PolyPhen-2: "Benign"; Align-GVGD: "Not Available"). In summary, the available evidence is currently insufficient to determine the role of this variant in disease. Therefore, it has been classified as a Variant of Uncertain Significance.

AiLife Diagnostics
Classification: Uncertain significance. Last evaluated: 2020-07-07. Review status: criteria provided, single submitter. Criteria: ACMG Guidelines, 2015. Collection method: clinical testing. Allele origin: germline. Affected: yes. Observed: 1 variant allele.

Natera, Inc.
Classification: Uncertain significance for Cohen syndrome. Last evaluated: 2021-07-13. Review status: no assertion criteria provided. Collection method: clinical testing. Allele origin: germline. Not counted in ClinVar's aggregate classification.